The following is an entry in ClinVar:

NM_005735.4(ACTR1B):c.1069T>A (p.Trp357Arg)

Gene: ACTR1B (actin related protein 1B; minus strand). Cytogenetic location: 2q11.2.
Variant type: single nucleotide variant.
Coding change: c.1069T>A on transcript NM_005735.4 (MANE Select); coding-DNA position 1069, T replaced by A.
Protein change: p.Trp357Arg; replaces tryptophan 357 with arginine.
Molecular consequence: missense variant.
Genome position (GRCh38, 1-based): chr2:97,656,920, A>T on the plus strand (T>A on the coding strand, the complement: ACTR1B is on the minus strand). VCF-style: chr2-97656920-A-T. GRCh37 (hg19) VCF-style: chr2-98273383-A-T.
Other names: short protein forms W357R.
Identifiers: ClinVar variation 4831160 (VCV004831160.1).

ClinVar aggregate classification (germline): Uncertain significance (1 of 4 stars; one submission).

gnomAD v4.1: 7 of 1,595,752 alleles (0.00044%); highest among the groups gnomAD compares: Non-Finnish European, 0.00051%; no homozygotes.

Submission:

Ambry Genetics
Classification: Uncertain significance. Last evaluated: 2026-01-14. Review status: criteria provided, single submitter. Criteria: Ambry Variant Classification Scheme 2023. Collection method: clinical testing. Allele origin: germline.
Comment: The c.1069T>A (p.W357R) alteration is located in exon 11 (coding exon 11) of the ACTR1B gene. This alteration results from a T to A substitution at nucleotide position 1069, causing the tryptophan (W) at amino acid position 357 to be replaced by an arginine (R). Based on data from gnomAD, the A allele has an overall frequency of <0.001% (1/220794) total alleles studied. The highest observed frequency was 0.001% (1/98330) of European (non-Finnish) alleles. Based on insufficient or conflicting evidence, the clinical significance of this alteration remains unclear.